The following is an entry in ClinVar:

NM_006387.6(CHERP):c.1617G>A (p.Pro539=)

Gene: CHERP (calcium homeostasis endoplasmic reticulum protein; minus strand). Cytogenetic location: 19p13.11.
Variant type: single nucleotide variant.
Coding change: c.1617G>A on transcript NM_006387.6 (MANE Select); coding-DNA position 1617, G replaced by A.
Protein change: p.Pro539=; no amino-acid change (proline 539 retained).
Molecular consequence: synonymous variant.
Genome position (GRCh38, 1-based): chr19:16,525,366, C>T on the plus strand (G>A on the coding strand, the complement: CHERP is on the minus strand). VCF-style: chr19-16525366-C-T. GRCh37 (hg19) VCF-style: chr19-16636177-C-T.
Identifiers: ClinVar variation 2649512 (VCV002649512.24), dbSNP rs201185399, ClinGen allele CA9279531.

ClinVar aggregate classification (germline): Likely benign (1 of 4 stars; one submission).

Allele frequency attached by ClinVar (database versions not stated): gnomAD exomes 0.00007; 1000 Genomes Project 0.00040; ExAC 0.00051; ESP Exome Variant Server 0.00057; gnomAD 0.00058; TOPMed 0.00074; 1000 Genomes Project 30x 0.00078.
gnomAD v4.1: 176 of 1,491,886 alleles (0.012%); highest among the groups gnomAD compares: African/African-American, 0.22%; 1 homozygote.

Submission:

CeGaT Center for Human Genetics Tuebingen
Classification: Likely benign. Last evaluated: 2022-05-01. Review status: criteria provided, single submitter. Criteria: CeGaT Center For Human Genetics Tuebingen Variant Classification Criteria Version 2. Collection method: clinical testing. Allele origin: germline. Affected: yes. Observed: 1 variant allele.
Comment: CHERP: BP4, BP7